The following is an entry in ClinVar:

ClinVar aggregate classification (germline): Likely benign (1 of 4 stars; one submission).

Submission:

CeGaT Center for Human Genetics Tuebingen
Classification: Likely benign. Last evaluated: 2025-09-01. Review status: criteria provided, single submitter. Criteria: CeGaT Center For Human Genetics Tuebingen Variant Classification Criteria Version 2. Collection method: clinical testing. Allele origin: germline. Affected: yes. Observed: 1 variant allele.
Comment: MUC5B: PM2:Supporting, BP4, BP7

NM_002458.3(MUC5B):c.10836C>T (p.Pro3612=)

Genes: MUC5B (mucin 5B, oligomeric mucus/gel-forming; plus strand), MUC5B-AS1 (MUC5B antisense RNA 1; minus strand). Cytogenetic location: 11p15.5.
Variant type: single nucleotide variant.
Coding change: c.10836C>T on transcript NM_002458.3 (MANE Select); coding-DNA position 10836, C replaced by T.
Protein change: p.Pro3612=; no amino-acid change (proline 3612 retained).
Molecular consequence: synonymous variant.
Genome position (GRCh38, 1-based): chr11:1,247,716, C>T. VCF-style: chr11-1247716-C-T. GRCh37 (hg19) VCF-style: chr11-1268946-C-T.
Identifiers: ClinVar variation 4281259 (VCV004281259.7).